The following is an entry in ClinVar:

ClinVar aggregate classification (germline): Uncertain significance (1 of 4 stars; one submission).

Conditions:
Familial thoracic aortic aneurysm and aortic dissection (TAAD). Also called: Thoracic aortic aneurysms and dissections. Identifiers: Orphanet 91387, MedGen C4707243, MONDO:0019625.

Submission:

Labcorp Genetics (formerly Invitae), Labcorp
Classification: Uncertain significance for Familial thoracic aortic aneurysm and aortic dissection. Last evaluated: 2023-01-15. Review status: criteria provided, single submitter. Criteria: Invitae Variant Classification Sherloc (09022015). Collection method: clinical testing. Allele origin: germline.
Comment: In summary, the available evidence is currently insufficient to determine the role of this variant in disease. Therefore, it has been classified as a Variant of Uncertain Significance. This variant has not been reported in the literature in individuals affected with TGFBR2-related conditions. This variant is not present in population databases (gnomAD no frequency). This sequence change creates a premature translational stop signal (p.Trp287Leufs*16) in the TGFBR2 gene. It is expected to result in an absent or disrupted protein product. However, the current clinical and genetic evidence is not sufficient to establish whether loss-of-function variants in TGFBR2 cause disease.

NM_003242.6(TGFBR2):c.859dup (p.Trp287fs)

Gene: TGFBR2 (transforming growth factor beta receptor 2; plus strand). Cytogenetic location: 3p24.1.
Variant type: Duplication.
Coding change: c.859dup on transcript NM_003242.6 (MANE Select); coding-DNA position 859, one base duplicated (T; older notation c.859dupT).
Protein change: p.Trp287fs; shifts the reading frame from tryptophan 287.
Molecular consequence: frameshift variant. On other transcripts: intron variant (1).
Genome position (GRCh38, 1-based): chr3:30,672,042, T duplicated; the last of 2 consecutive T bases (chr3:30,672,041-30,672,042); duplicating either gives the same sequence. VCF-style (leftmost placement, unchanged base first): chr3-30672040-C-CT. GRCh37 (hg19) VCF-style: chr3-30713532-C-CT.
Other names: c.859dup, p.Trp287fs (NM_001407130.1); c.754dup, p.Trp252fs (NM_001407132.1, NM_001407133.1, NM_001407134.1 and 2 more transcripts); c.934dup, p.Trp312fs (NM_001024847.3); c.886dup, p.Trp296fs (NM_001407128.1); c.862dup, p.Trp288fs (NM_001407129.1); c.1042dup, p.Trp348fs (NM_001407126.1); c.967dup, p.Trp323fs (NM_001407127.1); c.574dup, p.Trp192fs (NM_001407137.1); and 2 more; short protein forms W167fs, W252fs, W287fs, W348fs, W323fs, W192fs, W296fs, W288fs.
Identifiers: ClinVar variation 2828856 (VCV002828856.3), dbSNP rs2470561461, ClinGen allele CA2664867666.
Genomic context (GRCh38, chr3:30,672,040, plus strand): 5'-ACACTTCAGAGCAGTTTGAGACAGTGGCAGTCAAGATCTTTCCCTATGAGGAGTATGCCT[C>CT]TTGGAAGACAGAGAAGGACATCTTCTCAGACATCAATCTGAAGCATGAGAACATACTCCA-3'